The following is an entry in ClinVar:

NM_000052.7(ATP7A):c.1782C>G (p.Tyr594Ter)

Gene: ATP7A (ATPase copper transporting alpha; plus strand). Cytogenetic location: Xq21.1.
Variant type: single nucleotide variant.
Coding change: c.1782C>G on transcript NM_000052.7 (MANE Select); coding-DNA position 1782, C replaced by G.
Protein change: p.Tyr594Ter; replaces tyrosine 594 with a stop codon.
Molecular consequence: nonsense.
Genome position (GRCh38, 1-based): chrX:78,009,176, C>G. VCF-style: chrX-78009176-C-G. GRCh37 (hg19) VCF-style: chrX-77264673-C-G.
Other names: c.1782C>G, p.Tyr594Ter (NM_001282224.2); short protein forms Y594*.
Identifiers: ClinVar variation 210399 (VCV000210399.10), dbSNP rs797045336, ClinGen allele CA277028.

ClinVar aggregate classification (germline): Pathogenic. Review status: criteria provided, multiple submitters, no conflicts (2 of 4 stars). 4 submissions from 4 submitters: Pathogenic (3). 1 of the submissions does not count toward it. Last evaluated 2023-06-21.

Conditions:
Menkes kinky-hair syndrome (MNK). Also called: Menkes Disease; Copper transport disease; Classic Menkes Disease. Identifiers: Orphanet 565, MedGen C0022716, MONDO:0010651, OMIM 309400.

Submissions (4):

Revvity Omics, Revvity
Classification: Pathogenic. Last evaluated: 2023-06-21. Review status: criteria provided, single submitter. Criteria: ACMG Guidelines, 2015. Collection method: clinical testing. Allele origin: germline.

Institute of Human Genetics, University of Leipzig Medical Center
Classification: Pathogenic for Menkes kinky-hair syndrome. Last evaluated: 2018-05-02. Review status: criteria provided, single submitter. Criteria: ACMG Guidelines, 2015. Collection method: clinical testing. Allele origin: germline. Affected: yes. Observed: 1 variant allele.
Comment: This variant was identified as hemizygous

Genetic Services Laboratory, University of Chicago
Classification: Pathogenic for Menkes disease. Last evaluated: 2013-02-08. Review status: criteria provided, single submitter. Criteria: ACMG Guidelines, 2007. Collection method: clinical testing. Allele origin: germline. Affected: yes.

Inherited Neuropathy Consortium Ii, University Of Miami
Classification: Uncertain significance for Menkes kinky-hair syndrome. Last evaluated: 2016-01-06. Review status: no assertion criteria provided. Collection method: literature only. Allele origin: germline. Affected: yes. Not counted in ClinVar's aggregate classification.

Literature cited by the submitters: PubMed 12499504 (cited by Inherited Neuropathy Consortium Ii, University Of Miami).